The following is an entry in ClinVar:

NM_001277115.2(DNAH11):c.2486G>A (p.Arg829His)

Gene: DNAH11 (dynein axonemal heavy chain 11; plus strand). Cytogenetic location: 7p15.3.
Variant type: single nucleotide variant.
Coding change: c.2486G>A on transcript NM_001277115.2 (MANE Select); coding-DNA position 2486, G replaced by A.
Protein change: p.Arg829His; replaces arginine 829 with histidine.
Molecular consequence: missense variant.
Genome position (GRCh38, 1-based): chr7:21,591,396, G>A. VCF-style: chr7-21591396-G-A. GRCh37 (hg19) VCF-style: chr7-21631014-G-A.
Other names: short protein forms R829H.
Identifiers: ClinVar variation 593253 (VCV000593253.49), dbSNP rs201261243, ClinGen allele CA4179350.

ClinVar aggregate classification (germline): Conflicting classifications of pathogenicity. Review status: criteria provided, conflicting classifications (1 of 4 stars). 8 submissions from 8 submitters: Uncertain significance (3); Benign (1); Likely benign (3). 1 of the submissions does not count toward it. Last evaluated 2026-01-18.

Conditions:
Primary ciliary dyskinesia. Also called: Ciliary dyskinesia. Identifiers: Orphanet 244, MedGen C0008780, MONDO:0016575, HP:0012265.
Primary ciliary dyskinesia 7. Also called: CILIARY DYSKINESIA, PRIMARY, 7, WITH OR WITHOUT SITUS INVERSUS. Identifiers: Orphanet 244, MedGen C2678473, MONDO:0012748, OMIM 611884.
DNAH11-related disorder. Also called: DNAH11-related condition.

Allele frequency attached by ClinVar (database versions not stated): ExAC 0.00040; 1000 Genomes Project 30x 0.00062; 1000 Genomes Project 0.00080; gnomAD 0.00119 and 0.00129; TOPMed 0.00131; ESP Exome Variant Server 0.00134.
gnomAD v4.1: 385 of 1,613,900 alleles (0.024%); highest among the groups gnomAD compares: African/African-American, 0.42%; 2 homozygotes.

Submissions (8):

Labcorp Genetics (formerly Invitae), Labcorp
Classification: Likely benign for Primary ciliary dyskinesia. Last evaluated: 2026-01-18. Review status: criteria provided, single submitter. Criteria: Invitae Variant Classification Sherloc (09022015). Collection method: clinical testing. Allele origin: germline.

GeneDx
Classification: Uncertain significance. Last evaluated: 2023-12-01. Review status: criteria provided, single submitter. Criteria: GeneDx Variant Classification Process June 2021. Collection method: clinical testing. Allele origin: germline. Affected: yes.
Comment: In silico analysis supports that this missense variant does not alter protein structure/function; Has not been previously published as pathogenic or benign to our knowledge

CeGaT Center for Human Genetics Tuebingen
Classification: Likely benign. Last evaluated: 2023-09-01. Review status: criteria provided, single submitter. Criteria: CeGaT Center For Human Genetics Tuebingen Variant Classification Criteria Version 2. Collection method: clinical testing. Allele origin: germline. Affected: yes. Observed: 1 variant allele.
Comment: DNAH11: BP4, BS2

Blueprint Genetics
Classification: Likely benign. Last evaluated: 2022-07-25. Review status: criteria provided, single submitter. Criteria: ACMG Guidelines, 2015. Collection method: clinical testing. Allele origin: germline.

ARUP Laboratories, Molecular Genetics and Genomics, ARUP Laboratories
Classification: Uncertain significance for Primary ciliary dyskinesia 7. Last evaluated: 2022-01-31. Review status: criteria provided, single submitter. Criteria: ARUP Molecular Germline Variant Investigation Process 2021. Collection method: clinical testing. Allele origin: germline.
Comment: The DNAH11 c.2486G>A; p.Arg829His variant (rs201261243), to our knowledge, is not reported in the medical literature but is reported in ClinVar (Variation ID: 593253). This variant is found in the African population with an allele frequency of 0.4% (107/24188 alleles including 1 homozygote) in the Genome Aggregation Database. The arginine at codon 829 is weakly conserved, and computational analyses predict that this variant is neutral (REVEL: 0.004). While the high population frequency suggests that this is likely a benign variant, given the lack of clinical and functional data, the significance of the p.Arg829His is uncertain at this time.

Eurofins Ntd Llc (ga)
Classification: Uncertain significance. Last evaluated: 2018-01-23. Review status: criteria provided, single submitter. Criteria: EGL Classification Definitions 2015. Collection method: clinical testing. Allele origin: germline. Observed: 2 variant alleles, 2 heterozygotes.

Ambry Genetics
Classification: Benign for Primary ciliary dyskinesia. Last evaluated: 2017-04-17. Review status: criteria provided, single submitter. Criteria: Ambry Variant Classification Scheme 2023. Collection method: clinical testing. Allele origin: germline.

PreventionGenetics, part of Exact Sciences
Classification: Likely benign for DNAH11-related condition. Last evaluated: 2024-07-22. Review status: no assertion criteria provided. Collection method: clinical testing. Allele origin: germline. Not counted in ClinVar's aggregate classification.
Comment: This variant is classified as likely benign based on ACMG/AMP sequence variant interpretation guidelines (Richards et al. 2015 PMID: 25741868, with internal and published modifications).